The following is an entry in ClinVar:

NM_003072.5(SMARCA4):c.1416C>G (p.His472Gln)

Gene: SMARCA4 (SWI/SNF related BAF chromatin remodeling complex subunit ATPase 4; plus strand). Cytogenetic location: 19p13.2.
Variant type: single nucleotide variant.
Coding change: c.1416C>G on transcript NM_003072.5 (MANE Select); coding-DNA position 1416, C replaced by G.
Protein change: p.His472Gln; replaces histidine 472 with glutamine.
Molecular consequence: missense variant. On other transcripts: non-coding transcript variant (1).
Genome position (GRCh38, 1-based): chr19:10,991,320, C>G. VCF-style: chr19-10991320-C-G. GRCh37 (hg19) VCF-style: chr19-11101996-C-G.
Other names: c.1416C>G, p.His472Gln (NM_001128844.3, NM_001128845.2, NM_001128846.2 and 4 more transcripts); c.1416C>G (NM_001128849.1); short protein forms H472Q.
Identifiers: ClinVar variation 1018137 (VCV001018137.9), dbSNP rs2086540721, ClinGen allele CA404061173.

ClinVar aggregate classification (germline): Uncertain significance. Review status: criteria provided, multiple submitters, no conflicts (2 of 4 stars). 2 submissions from 2 submitters: Uncertain significance (2). Last evaluated 2024-11-14.

Conditions:
Hereditary cancer-predisposing syndrome. Also called: Tumor predisposition; Neoplastic Syndromes, Hereditary; Hereditary neoplastic syndrome; Hereditary Cancer Syndrome. Identifiers: Orphanet 140162, MedGen C0027672, MeSH D009386, MONDO:0015356.
Rhabdoid tumor predisposition syndrome 2 (RTPS2). Identifiers: Orphanet 231108, Orphanet 69077, MedGen C2750074, MONDO:0013224, OMIM 613325.

Submissions (2):

Ambry Genetics
Classification: Uncertain significance for Hereditary cancer-predisposing syndrome. Last evaluated: 2024-11-14. Review status: criteria provided, single submitter. Criteria: Ambry Variant Classification Scheme 2023. Collection method: clinical testing. Allele origin: germline.
Comment: The p.H472Q variant (also known as c.1416C>G), located in coding exon 7 of the SMARCA4 gene, results from a C to G substitution at nucleotide position 1416. The histidine at codon 472 is replaced by glutamine, an amino acid with highly similar properties. This amino acid position is conserved. In addition, the in silico prediction for this alteration is inconclusive. Based on the available evidence, the clinical significance of this variant remains unclear.

Labcorp Genetics (formerly Invitae), Labcorp
Classification: Uncertain significance for Rhabdoid tumor predisposition syndrome 2. Last evaluated: 2024-03-27. Review status: criteria provided, single submitter. Criteria: Invitae Variant Classification Sherloc (09022015). Collection method: clinical testing. Allele origin: germline.
Comment: This sequence change replaces histidine, which is basic and polar, with glutamine, which is neutral and polar, at codon 472 of the SMARCA4 protein (p.His472Gln). This variant is not present in population databases (gnomAD no frequency). This variant has not been reported in the literature in individuals affected with SMARCA4-related conditions. ClinVar contains an entry for this variant (Variation ID: 1018137). Advanced modeling of protein sequence and biophysical properties (such as structural, functional, and spatial information, amino acid conservation, physicochemical variation, residue mobility, and thermodynamic stability) has been performed at Invitae for this missense variant, however the output from this modeling did not meet the statistical confidence thresholds required to predict the impact of this variant on SMARCA4 protein function. In summary, the available evidence is currently insufficient to determine the role of this variant in disease. Therefore, it has been classified as a Variant of Uncertain Significance.